The following is an entry in ClinVar:

NM_003560.4(PLA2G6):c.798-1G>T

Gene: PLA2G6 (phospholipase A2 group VI; minus strand). Cytogenetic location: 22q13.1.
Variant type: single nucleotide variant.
Coding change: c.798-1G>T on transcript NM_003560.4 (MANE Select); the canonical splice acceptor site of the intron before coding-DNA position 798, G replaced by T.
Molecular consequence: splice acceptor variant.
Genome position (GRCh38, 1-based): chr22:38,135,085, C>A on the plus strand (G>T on the coding strand, the complement: PLA2G6 is on the minus strand). VCF-style: chr22-38135085-C-A. GRCh37 (hg19) VCF-style: chr22-38531092-C-A.
Other names: c.120-1G>T (NM_001349868.2); c.798-1G>T (NM_001349866.2, NM_001199562.3, NM_001349865.2 and 2 more transcripts); c.264-1G>T (NM_001349869.2, NM_001349867.2).
Identifiers: ClinVar variation 2781663 (VCV002781663.3), dbSNP rs2518020318, ClinGen allele CA411531213.

ClinVar aggregate classification (germline): Likely pathogenic (1 of 4 stars; one submission).

Conditions:
Infantile neuroaxonal dystrophy (NBIA2A). Also called: NEURODEGENERATION WITH BRAIN IRON ACCUMULATION 2A; SEITELBERGER DISEASE; Infantile neuroaxonal dystrophy 1. Identifiers: Orphanet 35069, MedGen C0270724, MONDO:0024457, OMIM 256600.

Submission:

Labcorp Genetics (formerly Invitae), Labcorp
Classification: Likely pathogenic for Infantile neuroaxonal dystrophy. Last evaluated: 2023-04-28. Review status: criteria provided, single submitter. Criteria: Invitae Variant Classification Sherloc (09022015). Collection method: clinical testing. Allele origin: germline.
Comment: This sequence change affects an acceptor splice site in intron 5 of the PLA2G6 gene. It is expected to disrupt RNA splicing. Variants that disrupt the donor or acceptor splice site typically lead to a loss of protein function (PMID: 16199547), and loss-of-function variants in PLA2G6 are known to be pathogenic (PMID: 16783378, 18570303, 18799783, 22213678). In summary, the currently available evidence indicates that the variant is pathogenic, but additional data are needed to prove that conclusively. Therefore, this variant has been classified as Likely Pathogenic. Algorithms developed to predict the effect of sequence changes on RNA splicing suggest that this variant may disrupt the consensus splice site. This variant has not been reported in the literature in individuals affected with PLA2G6-related conditions. This variant is not present in population databases (gnomAD no frequency).

Literature cited by the submitters: PubMed 16199547; PubMed 16783378; PubMed 18570303; PubMed 18799783; PubMed 22213678.